The following is an entry in ClinVar:

ClinVar aggregate classification (germline): Conflicting classifications of pathogenicity. Review status: criteria provided, conflicting classifications (1 of 4 stars). 4 submissions from 4 submitters: Uncertain significance (3); Likely benign (1). Last evaluated 2025-08-06.

Conditions:
Juvenile polyposis syndrome (JPS). Identifiers: Orphanet 2929, MedGen C0345893, MONDO:0017380, OMIM 174900.
Hereditary cancer-predisposing syndrome. Also called: Neoplastic Syndromes, Hereditary; Hereditary neoplastic syndrome; Hereditary Cancer Syndrome; Tumor predisposition. Identifiers: Orphanet 140162, MedGen C0027672, MeSH D009386, MONDO:0015356.

Submissions (4):

Ambry Genetics
Classification: Uncertain significance for Hereditary cancer-predisposing syndrome. Last evaluated: 2025-08-06. Review status: criteria provided, single submitter. Criteria: Ambry Variant Classification Scheme 2023. Collection method: clinical testing. Allele origin: germline.
Comment: The c.1473+3G>A intronic variant results from a G to A substitution 3 nucleotides after coding exon 10 in the BMPR1A gene. This nucleotide position is poorly conserved in available vertebrate species. In silico splice site analysis predicts that this alteration will not have any significant effect on splicing; however, direct evidence is insufficient at this time (Ambry internal data). Since supporting evidence is limited at this time, the clinical significance of this alteration remains unclear.

Color Diagnostics, LLC DBA Color Health
Classification: Uncertain significance for Hereditary cancer-predisposing syndrome. Last evaluated: 2025-06-05. Review status: criteria provided, single submitter. Criteria: ACMG Guidelines, 2015. Collection method: clinical testing. Allele origin: germline.
Comment: This variant causes a G to A nucleotide substitution at the +3 position of intron 12 of the BMPR1A gene. To our knowledge, RNA functional studies have not been reported for this variant. This variant has not been reported in individuals affected with hereditary cancer in the literature. This variant has not been identified in the general population by the Genome Aggregation Database (gnomAD). The available evidence is insufficient to determine the role of this variant in disease conclusively. Therefore, this variant is classified as a Variant of Uncertain Significance.

Myriad Genetics, Inc.
Classification: Likely benign for Juvenile polyposis syndrome. Last evaluated: 2024-08-08. Review status: criteria provided, single submitter. Criteria: Myriad Autosomal Dominant, Autosomal Recessive and X-Linked Classification Criteria (2023). Collection method: clinical testing. Allele origin: unknown.
Comment: This variant is considered likely benign. This variant is intronic and is not expected to impact mRNA splicing.

Labcorp Genetics (formerly Invitae), Labcorp
Classification: Uncertain significance for Juvenile polyposis syndrome. Last evaluated: 2023-03-20. Review status: criteria provided, single submitter. Criteria: Invitae Variant Classification Sherloc (09022015). Collection method: clinical testing. Allele origin: germline.
Comment: This sequence change falls in intron 12 of the BMPR1A gene. It does not directly change the encoded amino acid sequence of the BMPR1A protein. It affects a nucleotide within the consensus splice site. This variant is not present in population databases (gnomAD no frequency). This variant has not been reported in the literature in individuals affected with BMPR1A-related conditions. ClinVar contains an entry for this variant (Variation ID: 655604). Variants that disrupt the consensus splice site are a relatively common cause of aberrant splicing (PMID: 17576681, 9536098). Algorithms developed to predict the effect of sequence changes on RNA splicing suggest that this variant is not likely to affect RNA splicing. In summary, the available evidence is currently insufficient to determine the role of this variant in disease. Therefore, it has been classified as a Variant of Uncertain Significance.

Literature cited by the submitters: PubMed 17576681 (cited by Labcorp Genetics (formerly Invitae), Labcorp); PubMed 9536098 (cited by Labcorp Genetics (formerly Invitae), Labcorp).

NM_004329.3(BMPR1A):c.1473+3G>A

Gene: BMPR1A (bone morphogenetic protein receptor type 1A; plus strand). Cytogenetic location: 10q23.2.
Variant type: single nucleotide variant.
Coding change: c.1473+3G>A on transcript NM_004329.3 (MANE Select); 3 bases into the intron after coding-DNA position 1473, G replaced by A.
Molecular consequence: intron variant.
Genome position (GRCh38, 1-based): chr10:86,923,509, G>A. VCF-style: chr10-86923509-G-A. GRCh37 (hg19) VCF-style: chr10-88683266-G-A.
Identifiers: ClinVar variation 655604 (VCV000655604.13), dbSNP rs1589293539, ClinGen allele CA915947548.